The following is an entry in ClinVar:

NM_017649.5(CNNM2):c.992C>T (p.Thr331Ile)

Gene: CNNM2 (cyclin and CBS domain divalent metal cation transport mediator 2; plus strand). Cytogenetic location: 10q24.32.
Variant type: single nucleotide variant.
Coding change: c.992C>T on transcript NM_017649.5 (MANE Select); coding-DNA position 992, C replaced by T.
Protein change: p.Thr331Ile; replaces threonine 331 with isoleucine.
Molecular consequence: missense variant.
Genome position (GRCh38, 1-based): chr10:102,919,472, C>T. VCF-style: chr10-102919472-C-T. GRCh37 (hg19) VCF-style: chr10-104679229-C-T.
Other names: c.992C>T, p.Thr331Ile (NM_199076.3, NM_199077.3); short protein forms T331I.
Identifiers: ClinVar variation 1709797 (VCV001709797.2), dbSNP rs2493375718, ClinGen allele CA377959236.
Genomic context (GRCh38, chr10:102,919,472, plus strand): 5'-AGGGCAACTACCTGCTGTGCTCACTGCTGCTGGGCAACGTGCTGGTCAACACCACGCTCA[C>T]CATCCTGCTCGACGACATCGCCGGCTCGGGCCTCGTGGCCGTGGTAGTCTCCACCATCGG-3'
Protein context (NP_060119.3, residues 321-341): LGNVLVNTTL[Thr331Ile]ILLDDIAGSG

ClinVar aggregate classification (germline): Likely pathogenic (1 of 4 stars; one submission).

Conditions:
Hypomagnesemia, seizures, and impaired intellectual development 1. Also called: Hypomagnesemia, seizures, and intellectual disability 1. Identifiers: Orphanet 34527, MedGen C4225333, MONDO:0020787, OMIM 616418.

Submission:

MGZ Medical Genetics Center
Classification: Likely pathogenic for Hypomagnesemia, seizures, and impaired intellectual development 1. Last evaluated: 2021-08-17. Review status: criteria provided, single submitter. Criteria: ACMG Guidelines, 2015. Collection method: clinical testing. Allele origin: germline. Affected: yes. Observed: 1 variant allele.
Comment: ACMG criteria applied: PS2, PM1, PM2_SUP, PP2, PP3